The following is an entry in ClinVar:

ClinVar aggregate classification (germline): Uncertain significance. Review status: criteria provided, multiple submitters, no conflicts (2 of 4 stars). 2 submissions from 2 submitters: Uncertain significance (2). Last evaluated 2023-02-03.

Conditions:
Nemaline myopathy 2 (NEM2). Also called: Nemaline myopathy 2, autosomal recessive. Identifiers: MedGen C1850569, MONDO:0009725, OMIM 256030.

Allele frequency attached by ClinVar (database versions not stated): TOPMed 0.00001; gnomAD 0.00003; gnomAD exomes 0.00005 and 0.00009; ExAC 0.00017.
gnomAD v4.1: 89 of 1,613,840 alleles (0.0055%); highest among the groups gnomAD compares: Non-Finnish European, 0.0059%; no homozygotes.

Submissions (2):

Blueprint Genetics
Classification: Uncertain significance. Last evaluated: 2023-02-03. Review status: criteria provided, single submitter. Criteria: ACMG Guidelines, 2015. Collection method: clinical testing. Allele origin: germline.

Labcorp Genetics (formerly Invitae), Labcorp
Classification: Uncertain significance for Nemaline myopathy 2. Last evaluated: 2022-11-01. Review status: criteria provided, single submitter. Criteria: Invitae Variant Classification Sherloc (09022015). Collection method: clinical testing. Allele origin: germline.
Comment: This sequence change replaces alanine, which is neutral and non-polar, with threonine, which is neutral and polar, at codon 3051 of the NEB protein (p.Ala3051Thr). This variant is present in population databases (rs751613683, gnomAD 0.02%). This variant has not been reported in the literature in individuals affected with NEB-related conditions. ClinVar contains an entry for this variant (Variation ID: 1489930). Algorithms developed to predict the effect of missense changes on protein structure and function are either unavailable or do not agree on the potential impact of this missense change (SIFT: "Deleterious"; PolyPhen-2: "Not Available"; Align-GVGD: "Class C0"). In summary, the available evidence is currently insufficient to determine the role of this variant in disease. Therefore, it has been classified as a Variant of Uncertain Significance.

NM_001164508.2(NEB):c.9151G>A (p.Ala3051Thr)

Gene: NEB (nebulin; minus strand). Cytogenetic location: 2q23.3.
Variant type: single nucleotide variant.
Coding change: c.9151G>A on transcript NM_001164508.2 (MANE Select); coding-DNA position 9151, G replaced by A.
Protein change: p.Ala3051Thr; replaces alanine 3051 with threonine.
Molecular consequence: missense variant. On other transcripts: intron variant (1).
Genome position (GRCh38, 1-based): chr2:151,633,917, C>T on the plus strand (G>A on the coding strand, the complement: NEB is on the minus strand). VCF-style: chr2-151633917-C-T. GRCh37 (hg19) VCF-style: chr2-152490431-C-T.
Other names: c.9151G>A, p.Ala3051Thr (NM_001164507.2, NM_001271208.2); c.8854-2739G>A (NM_004543.5); short protein forms A3051T.
Identifiers: ClinVar variation 1489930 (VCV001489930.6), dbSNP rs751613683, ClinGen allele CA1909390.